The following is an entry in ClinVar:

ClinVar aggregate classification (germline): Conflicting classifications of pathogenicity. Review status: criteria provided, conflicting classifications (1 of 4 stars). 3 submissions from 3 submitters: Pathogenic (1); Likely pathogenic (1); Uncertain significance (1). Last evaluated 2026-09-23.

Conditions:
Hyperalphalipoproteinemia 1 (HALP1). Also called: CETP-Related Hyperalphalipoproteinemia; CETP DEFICIENCY. Identifiers: MedGen C3149462, OMIM 143470.
CETP-related disorder. Also called: CETP-related condition.

Submissions (3):

PreventionGenetics, part of Exact Sciences
Classification: Pathogenic for CETP-related condition. Last evaluated: 2026-09-23. Review status: criteria provided, single submitter. Criteria: ACMG Guidelines, 2015. Collection method: clinical testing. Allele origin: germline.
Comment: The CETP c.785_788delTCCC variant is predicted to result in a frameshift and premature protein termination (p.Leu262Profs*31). This variant has been reported in an individual with hyperalphalipoproteinemia (described as c.734_737delTCCC in Plengpanich et al. 2009. PubMed ID: 19428034). This variant is reported in 0.016% of alleles in individuals of East Asian descent in gnomAD. Frameshift variants in CETP are expected to be pathogenic. This variant is interpreted as pathogenic.

Revvity Omics, Revvity
Classification: Likely pathogenic for Hyperalphalipoproteinemia 1. Last evaluated: 2024-04-04. Review status: criteria provided, single submitter. Criteria: ACMG Guidelines, 2015. Collection method: clinical testing. Allele origin: germline.

Ambry Genetics
Classification: Uncertain significance. Last evaluated: 2023-06-23. Review status: criteria provided, single submitter. Criteria: Ambry Variant Classification Scheme 2023. Collection method: clinical testing. Allele origin: germline.
Comment: Does not currently meet published gene-disease clinical validity criteria Based on insufficient or conflicting evidence, the clinical significance of this alteration remains unclear.

Literature cited by the submitters: PubMed 28106320 (cited by Ambry Genetics).

NM_000078.3(CETP):c.785_788del (p.Leu262fs)

Gene: CETP (cholesteryl ester transfer protein; plus strand). Cytogenetic location: 16q13.
Variant type: Deletion.
Coding change: c.785_788del on transcript NM_000078.3 (MANE Select); coding-DNA positions 785 to 788, 4 bases deleted (TCCC; older notation c.785_788delTCCC).
Protein change: p.Leu262fs; shifts the reading frame from leucine 262.
Molecular consequence: frameshift variant. On other transcripts: intron variant (1).
Genome position (GRCh38, 1-based): chr16:56,973,365-56,973,368, TCCC deleted; deleting any 4 consecutive bases within chr16:56,973,363-56,973,368 gives the same sequence; the c. name uses the placement nearest the transcript's 3' end. VCF-style (leftmost placement, unchanged base first): chr16-56973362-ACCTC-A. GRCh37 (hg19) VCF-style: chr16-57007274-ACCTC-A.
Other names: c.750+1282_750+1285del (NM_001286085.2); short protein forms L262fs.
Identifiers: ClinVar variation 2603651 (VCV002603651.4), dbSNP rs767971569, ClinGen allele CA8071095.
Genomic context (GRCh38, chr16:56,973,362, plus strand): 5'-GGTCCAGCCAGCGTCCTGGCTTCCTCCAGGGTCATTTCATCTACAAGAATGTCTCAGAGG[ACCTC>A]CCCCTCCCCACCTTCTCGCCCACACTGCTGGGGGACTCCCGCATGCTGTACTTCTGGTTC-3'